The following is an entry in ClinVar:

ClinVar aggregate classification (germline): Uncertain significance (1 of 4 stars; one submission).

Conditions:
Inborn genetic diseases. Identifiers: MedGen C0950123, MeSH D030342.

Submission:

Ambry Genetics
Classification: Uncertain significance for Inborn genetic diseases. Last evaluated: 2025-04-18. Review status: criteria provided, single submitter. Criteria: Ambry Variant Classification Scheme 2023. Collection method: clinical testing. Allele origin: germline.
Comment: The p.P238S variant (also known as c.712C>T), located in coding exon 6 of the G6PC3 gene, results from a C to T substitution at nucleotide position 712. The proline at codon 238 is replaced by serine, an amino acid with similar properties. This amino acid position is conserved. In addition, this alteration is predicted to be tolerated by in silico analysis. Based on the available evidence, the clinical significance of this variant remains unclear.

NM_138387.4(G6PC3):c.712C>T (p.Pro238Ser)

Gene: G6PC3 (glucose-6-phosphatase catalytic subunit 3; plus strand). Cytogenetic location: 17q21.31.
Variant type: single nucleotide variant.
Coding change: c.712C>T on transcript NM_138387.4 (MANE Select); coding-DNA position 712, C replaced by T.
Protein change: p.Pro238Ser; replaces proline 238 with serine.
Molecular consequence: missense variant. On other transcripts: 3 prime UTR variant (1).
Genome position (GRCh38, 1-based): chr17:44,075,714, C>T. VCF-style: chr17-44075714-C-T. GRCh37 (hg19) VCF-style: chr17-42153082-C-T.
Other names: c.*5C>T (NM_001319945.2); c.367C>T, p.Pro123Ser (NM_001384165.1, NM_001384166.1, NM_001384167.1 and 1 more transcripts); short protein forms P123S, P238S.
Identifiers: ClinVar variation 4027588 (VCV004027588.1).